The following is an entry in ClinVar:

NM_000551.4(VHL):c.341G>T (p.Gly114Val)

Genes: VHL (von Hippel-Lindau tumor suppressor; plus strand), LOC107303340 (3p25 von Hippel-Lindau tumor suppressor, E3 ubiquitin protein ligase Alu-mediated recombination region; plus strand). Cytogenetic location: 3p25.3.
Variant type: single nucleotide variant.
Coding change: c.341G>T on transcript NM_000551.4 (MANE Select); coding-DNA position 341, G replaced by T.
Protein change: p.Gly114Val; replaces glycine 114 with valine.
Molecular consequence: missense variant. On other transcripts: non-coding transcript variant (1), intron variant (2).
Genome position (GRCh38, 1-based): chr3:10,146,514, G>T. VCF-style: chr3-10146514-G-T. GRCh37 (hg19) VCF-style: chr3-10188198-G-T.
Other names: c.*18-3273G>T (NM_001354723.2); c.341-3273G>T (NM_198156.3); short protein forms G114V.
Identifiers: ClinVar variation 2927177 (VCV002927177.3), dbSNP rs1559428039, ClinGen allele CA351753604.

ClinVar aggregate classification (germline): Likely pathogenic (1 of 4 stars; one submission).

Conditions:
Chuvash polycythemia. Also called: POLYCYTHEMIA, VHL-DEPENDENT. Identifiers: Orphanet 238557, MedGen C1837915, MONDO:0009892, OMIM 263400.
Von Hippel-Lindau syndrome (VHLS). Also called: von Hippel–Lindau syndrome; VHL syndrome; Von Hippel-Lindau. Identifiers: Orphanet 892, MedGen C0019562, MONDO:0008667, OMIM 193300. Disease mechanism: loss of function.

Submission:

Labcorp Genetics (formerly Invitae), Labcorp
Classification: Likely pathogenic for Von Hippel-Lindau syndrome; Chuvash polycythemia. Last evaluated: 2024-12-02. Review status: criteria provided, single submitter. Criteria: Invitae Variant Classification Sherloc (09022015). Collection method: clinical testing. Allele origin: germline.
Comment: This sequence change replaces glycine, which is neutral and non-polar, with valine, which is neutral and non-polar, at codon 114 of the VHL protein (p.Gly114Val). This variant is not present in population databases (gnomAD no frequency). This missense change has been observed in individual(s) with clinical features of von Hippel-Lindau (VHL) syndrome (PMID: 24335534; internal data). ClinVar contains an entry for this variant (Variation ID: 2927177). An algorithm developed to predict the effect of missense changes on protein structure and function (PolyPhen-2) suggests that this variant is likely to be disruptive. Algorithms developed to predict the effect of sequence changes on RNA splicing suggest that this variant may disrupt the consensus splice site. In summary, the currently available evidence indicates that the variant is pathogenic, but additional data are needed to prove that conclusively. Therefore, this variant has been classified as Likely Pathogenic.

Literature cited by the submitters: PubMed 24335534.